The following is an entry in ClinVar:

ClinVar aggregate classification (germline): Likely benign. Review status: criteria provided, multiple submitters, no conflicts (2 of 4 stars). 2 submissions from 2 submitters: Likely benign (2). Last evaluated 2025-06-04.

Conditions:
SPTBN1-related disorder. Also called: SPTBN1-related condition.

gnomAD v4.1: 70 of 1,612,922 alleles (0.0043%); highest among the groups gnomAD compares: Admixed American, 0.023%; no homozygotes.

Submissions (2):

PreventionGenetics, part of Exact Sciences
Classification: Likely benign for SPTBN1-related condition. Last evaluated: 2025-06-04. Review status: criteria provided, single submitter. Criteria: ACMG Guidelines, 2015. Collection method: clinical testing. Allele origin: germline.
Comment: This variant is classified as likely benign based on ACMG/AMP sequence variant interpretation guidelines (Richards et al. 2015 PMID: 25741868, with internal and published modifications).

CeGaT Center for Human Genetics Tuebingen
Classification: Likely benign. Last evaluated: 2024-12-01. Review status: criteria provided, single submitter. Criteria: CeGaT Center For Human Genetics Tuebingen Variant Classification Criteria Version 2. Collection method: clinical testing. Allele origin: germline. Affected: yes. Observed: 1 variant allele.
Comment: SPTBN1: BP4, BP7

NM_003128.3(SPTBN1):c.6444C>T (p.Ser2148=)

Genes: SPTBN1 (spectrin beta, non-erythrocytic 1; plus strand), SPTBN1-AS2 (SPTBN1 antisense RNA 2; minus strand). Cytogenetic location: 2p16.2.
Variant type: single nucleotide variant.
Coding change: c.6444C>T on transcript NM_003128.3 (MANE Select); coding-DNA position 6444, C replaced by T.
Protein change: p.Ser2148=; no amino-acid change (serine 2148 retained).
Molecular consequence: synonymous variant.
Genome position (GRCh38, 1-based): chr2:54,664,476, C>T. VCF-style: chr2-54664476-C-T. GRCh37 (hg19) VCF-style: chr2-54891613-C-T.
Other names: c.6444C>T (NM_003128.2).
Identifiers: ClinVar variation 3771050 (VCV003771050.14).